The following is an entry in ClinVar:

ClinVar aggregate classification (germline): Uncertain significance (1 of 4 stars; one submission).

Conditions:
Anterior segment dysgenesis. Also called: Ocular anterior segment dysgenesis. Identifiers: Orphanet 88632, MedGen C1862839, MONDO:0019503, HP:0007700.
Congenital primary aphakia. Also called: Anterior segment dysgenesis 2, multiple subtypes; ANTERIOR SEGMENT DYSGENESIS 2. Identifiers: Orphanet 83461, MedGen C1853230, MONDO:0012456, OMIM 610256.

Submission:

Labcorp Genetics (formerly Invitae), Labcorp
Classification: Uncertain significance for Anterior segment dysgenesis; Congenital primary aphakia. Last evaluated: 2023-11-28. Review status: criteria provided, single submitter. Criteria: Invitae Variant Classification Sherloc (09022015). Collection method: clinical testing. Allele origin: germline.
Comment: This sequence change replaces arginine, which is basic and polar, with serine, which is neutral and polar, at codon 268 of the FOXE3 protein (p.Arg268Ser). This variant is not present in population databases (gnomAD no frequency). This variant has not been reported in the literature in individuals affected with FOXE3-related conditions. Advanced modeling of protein sequence and biophysical properties (such as structural, functional, and spatial information, amino acid conservation, physicochemical variation, residue mobility, and thermodynamic stability) performed at Invitae indicates that this missense variant is not expected to disrupt FOXE3 protein function with a negative predictive value of 80%. In summary, the available evidence is currently insufficient to determine the role of this variant in disease. Therefore, it has been classified as a Variant of Uncertain Significance.

NM_012186.3(FOXE3):c.802C>A (p.Arg268Ser)

Genes: FOXE3 (forkhead box E3; plus strand), LINC01389 (long independently transcribed non-coding RNA 1389; minus strand). Cytogenetic location: 1p33.
Variant type: single nucleotide variant.
Coding change: c.802C>A on transcript NM_012186.3 (MANE Select); coding-DNA position 802, C replaced by A.
Protein change: p.Arg268Ser; replaces arginine 268 with serine.
Molecular consequence: missense variant.
Genome position (GRCh38, 1-based): chr1:47,417,117, C>A. VCF-style: chr1-47417117-C-A. GRCh37 (hg19) VCF-style: chr1-47882789-C-A.
Other names: short protein forms R268S.
Identifiers: ClinVar variation 2954289 (VCV002954289.3), dbSNP rs776244154, ClinGen allele CA340250755.